The following is an entry in ClinVar:

ClinVar aggregate classification (germline): Uncertain significance (1 of 4 stars; one submission).

Conditions:
Neutrophil immunodeficiency syndrome. Also called: Immunodeficiency 73A with defective neutrophil chemotaxis and leukocytosis. Identifiers: Orphanet 183707, MedGen C1842398, MONDO:0011988, OMIM 608203.

Submission:

Labcorp Genetics (formerly Invitae), Labcorp
Classification: Uncertain significance for Neutrophil immunodeficiency syndrome. Last evaluated: 2021-06-18. Review status: criteria provided, single submitter. Criteria: Invitae Variant Classification Sherloc (09022015). Collection method: clinical testing. Allele origin: germline.
Comment: A copy number gain of the genomic region encompassing the full coding sequence of the RAC2 gene has been identified. The boundaries of this event are unknown as they extend beyond the assayed region for this gene and therefore may encompass additional genes. As the precise location of this event is unknown, it may be in tandem or it may be located elsewhere in the genome. This variant has not been reported in the literature in individuals with RAC2-related conditions. In summary, the available evidence is currently insufficient to determine the role of this variant in disease. Therefore, it has been classified as a Variant of Uncertain Significance.

NC_000022.10:g.(?_37622713)_(37640188_?)dup

Gene: RAC2 (Rac family small GTPase 2; minus strand). Cytogenetic location: 22q13.1.
Variant type: Duplication.
Identifiers: ClinVar variation 1410696 (VCV001410696.5).